The following is an entry in ClinVar:

NM_000051.4(ATM):c.6602_6610del (p.Val2201_Lys2204delinsGlu)

Genes: ATM (ATM serine/threonine kinase; plus strand), C11orf65 (chromosome 11 open reading frame 65; minus strand). Cytogenetic location: 11q22.3.
Variant type: Deletion.
Coding change: c.6602_6610del on transcript NM_000051.4 (MANE Select); coding-DNA positions 6602 to 6610, 9 bases deleted (TATATATTA; older notation c.6602_6610delTATATATTA).
Protein change: p.Val2201_Lys2204delinsGlu.
Molecular consequence: inframe indel. On other transcripts: intron variant (2).
Genome position (GRCh38, 1-based): chr11:108,325,339-108,325,347, TATATATTA deleted. VCF-style (leftmost placement, unchanged base first): chr11-108325338-GTATATATTA-G. GRCh37 (hg19) VCF-style: chr11-108196065-GTATATATTA-G.
Other names: c.6602_6610del, p.Val2201_Lys2204delinsGlu (NM_001351834.2); c.641-16276_641-16268del (NM_001330368.2); c.*38+9873_*38+9881del (NM_001351110.2).
Identifiers: ClinVar variation 2126983 (VCV002126983.4), dbSNP rs2547200243, ClinGen allele CA2580083017.

ClinVar aggregate classification (germline): Uncertain significance (1 of 4 stars; one submission).

Conditions:
Ataxia-telangiectasia syndrome (AT). Also called: ATAXIA-TELANGIECTASIA, COMPLEMENTATION GROUP A; ATAXIA-TELANGIECTASIA, FRESNO VARIANT; Ataxia-telangiectasia; Ataxia-telangiectasia, complementation group E; LOUIS-BAR SYNDROME; Cerebello-oculocutaneous telangiectasia. Identifiers: Orphanet 100, MedGen C0004135, MONDO:0008840, OMIM 208900.

Submission:

Labcorp Genetics (formerly Invitae), Labcorp
Classification: Uncertain significance for Ataxia-telangiectasia syndrome. Last evaluated: 2022-04-16. Review status: criteria provided, single submitter. Criteria: Invitae Variant Classification Sherloc (09022015). Collection method: clinical testing. Allele origin: germline.
Comment: This variant, c.6602_6610del, is a complex sequence change that results in the deletion of 4 and insertion of 1 amino acid(s) in the ATM protein (p.Val2201_Lys2204delinsGlu). In summary, the available evidence is currently insufficient to determine the role of this variant in disease. Therefore, it has been classified as a Variant of Uncertain Significance. Algorithms developed to predict the effect of sequence changes on RNA splicing suggest that this variant may disrupt the consensus splice site. This variant has not been reported in the literature in individuals affected with ATM-related conditions. This variant is not present in population databases (gnomAD no frequency).